The following is an entry in ClinVar:

ClinVar aggregate classification (germline): Uncertain significance (1 of 4 stars; one submission).

Allele frequency attached by ClinVar (database versions not stated): TOPMed 0.00001.
gnomAD v4.1: 11 of 1,613,596 alleles (0.00068%); highest among the groups gnomAD compares: Admixed American, 0.0017%; no homozygotes.

Submission:

CeGaT Center for Human Genetics Tuebingen
Classification: Uncertain significance. Last evaluated: 2024-01-01. Review status: criteria provided, single submitter. Criteria: CeGaT Center For Human Genetics Tuebingen Variant Classification Criteria Version 2. Collection method: clinical testing. Allele origin: germline. Affected: yes. Observed: 1 variant allele.
Comment: AGO2: PM2, PP2

NM_012154.5(AGO2):c.353C>T (p.Thr118Met)

Gene: AGO2 (argonaute RISC catalytic component 2; minus strand). Cytogenetic location: 8q24.3.
Variant type: single nucleotide variant.
Coding change: c.353C>T on transcript NM_012154.5 (MANE Select); coding-DNA position 353, C replaced by T.
Protein change: p.Thr118Met; replaces threonine 118 with methionine.
Molecular consequence: missense variant.
Genome position (GRCh38, 1-based): chr8:140,562,618, G>A on the plus strand (C>T on the coding strand, the complement: AGO2 is on the minus strand). VCF-style: chr8-140562618-G-A. GRCh37 (hg19) VCF-style: chr8-141572717-G-A.
Other names: c.353C>T, p.Thr118Met (NM_001164623.3); short protein forms T118M.
Identifiers: ClinVar variation 3026382 (VCV003026382.22), dbSNP rs1015925954, ClinGen allele CA186545820.